The following is an entry in ClinVar:

NM_019032.6(ADAMTSL4):c.1179C>T (p.Ala393=)

Genes: ADAMTSL4 (ADAMTS like 4; plus strand), ADAMTSL4-AS2 (ADAMTSL4 antisense RNA 2; minus strand). Cytogenetic location: 1q21.2.
Variant type: single nucleotide variant.
Coding change: c.1179C>T on transcript NM_019032.6 (MANE Select); coding-DNA position 1179, C replaced by T.
Protein change: p.Ala393=; no amino-acid change (alanine 393 retained).
Molecular consequence: synonymous variant.
Genome position (GRCh38, 1-based): chr1:150,554,412, C>T. VCF-style: chr1-150554412-C-T. GRCh37 (hg19) VCF-style: chr1-150526888-C-T.
Other names: c.1179C>T, p.Ala393= (NM_001288607.2, NM_001288608.2, NM_001378596.1 and 1 more transcripts); c.1179C>T (NM_019032.5).
Identifiers: ClinVar variation 875284 (VCV000875284.15), dbSNP rs182053027, ClinGen allele CA1078161.
Genomic context (GRCh38, chr1:150,554,412, plus strand): 5'-CCCCTCACCGCAGCCCTGCCCCCCTGAGCAGCCAGACCCCCGGGCCCTGCAGTGCGCAGC[C>T]TTTAACTCCCAGGAATTCATGGGCCAGCTGTATCAGTGGGAGCCCTTCACTGAAGGTGAG-3'
Protein context (NP_061905.2, residues 383-403): QPDPRALQCA[Ala393=]FNSQEFMGQL

ClinVar aggregate classification (germline): Benign/Likely benign. Review status: criteria provided, multiple submitters, no conflicts (2 of 4 stars). 6 submissions from 5 submitters: Benign (1); Likely benign (4). 1 of the submissions does not count toward it. Last evaluated 2026-01-18.

Conditions:
Ectopia lentis et pupillae. Also called: ECTOPIA LENTIS WITH ECTOPIA OF PUPIL. Identifiers: Orphanet 1885, MedGen C1644196, MONDO:0009153, OMIM 225200.
Ectopia lentis 2, isolated, autosomal recessive (ECTOL2). Identifiers: Orphanet 1885, MedGen C3541474, MONDO:0009152, OMIM 225100.
ADAMTSL4-related disorder. Also called: ADAMTSL4-related condition; ADAMTSL4-Related Disorders.

Allele frequency attached by ClinVar (database versions not stated): gnomAD 0.00009 and 0.00015; gnomAD exomes 0.00010 and 0.00039; TOPMed 0.00019; ExAC 0.00031; 1000 Genomes Project 30x 0.00109; 1000 Genomes Project 0.00140.
gnomAD v4.1: 184 of 1,614,120 alleles (0.011%); highest among the groups gnomAD compares: East Asian, 0.31%; 1 homozygote.

Submissions (6):

Labcorp Genetics (formerly Invitae), Labcorp
Classification: Benign. Last evaluated: 2026-01-18. Review status: criteria provided, single submitter. Criteria: Invitae Variant Classification Sherloc (09022015). Collection method: clinical testing. Allele origin: germline.

Blueprint Genetics
Classification: Likely benign. Last evaluated: 2024-11-08. Review status: criteria provided, single submitter. Criteria: ACMG Guidelines, 2015. Collection method: clinical testing. Allele origin: germline.

Genome-Nilou Lab
Classification: Likely benign for Ectopia lentis et pupillae. Last evaluated: 2023-04-11. Review status: criteria provided, single submitter. Criteria: ACMG Guidelines, 2015. Collection method: clinical testing. Allele origin: germline. Affected: no.

Genome-Nilou Lab
Classification: Likely benign for Ectopia lentis 2, isolated, autosomal recessive. Last evaluated: 2023-04-11. Review status: criteria provided, single submitter. Criteria: ACMG Guidelines, 2015. Collection method: clinical testing. Allele origin: germline. Affected: no.

Illumina Laboratory Services, Illumina
Classification: Likely benign for Ectopia lentis 2, isolated, autosomal recessive. Last evaluated: 2018-01-13. Review status: criteria provided, single submitter. Criteria: ICSL Variant Classification Criteria 13 December 2019. Collection method: clinical testing. Allele origin: germline.
Comment: This variant was observed in the ICSL laboratory as part of a predisposition screen in an ostensibly healthy population. It had not been previously curated by ICSL or reported in the Human Gene Mutation Database (HGMD: prior to June 1st, 2018), and was therefore a candidate for classification through an automated scoring system. Utilizing variant allele frequency, disease prevalence and penetrance estimates, and inheritance mode, an automated score was calculated to assess if this variant is too frequent to cause the disease. Based on the score and internal cut-off values, a variant classified as likely benign is not then subjected to further curation. The score for this variant resulted in a classification of likely benign for this disease.

PreventionGenetics, part of Exact Sciences
Classification: Likely benign for ADAMTSL4-related condition. Last evaluated: 2019-09-11. Review status: no assertion criteria provided. Collection method: clinical testing. Allele origin: germline. Not counted in ClinVar's aggregate classification.
Comment: This variant is classified as likely benign based on ACMG/AMP sequence variant interpretation guidelines (Richards et al. 2015 PMID: 25741868, with internal and published modifications).